The following is an entry in ClinVar:

NM_005845.5(ABCC4):c.3611C>T (p.Thr1204Met)

Gene: ABCC4 (ATP binding cassette subfamily C member 4 (PEL blood group); minus strand). Cytogenetic location: 13q32.1.
Variant type: single nucleotide variant.
Coding change: c.3611C>T on transcript NM_005845.5 (MANE Select); coding-DNA position 3611, C replaced by T.
Protein change: p.Thr1204Met; replaces threonine 1204 with methionine.
Molecular consequence: missense variant.
Genome position (GRCh38, 1-based): chr13:95,044,284, G>A on the plus strand (C>T on the coding strand, the complement: ABCC4 is on the minus strand). VCF-style: chr13-95044284-G-A. GRCh37 (hg19) VCF-style: chr13-95696538-G-A.
Other names: p.Thr1204Met; c.3470C>T, p.Thr1157Met (NM_001301829.2); short protein forms T1157M, T1204M.
Identifiers: ClinVar variation 4541785 (VCV004541785.1).

ClinVar aggregate classification (germline): Uncertain significance (1 of 4 stars; one submission).

gnomAD v4.1: 17 of 1,611,868 alleles (0.0011%); highest among the groups gnomAD compares: Admixed American, 0.0033%; no homozygotes.

Submission:

Mayo Clinic Laboratories, Mayo Clinic
Classification: Uncertain significance. Last evaluated: 2024-12-26. Review status: criteria provided, single submitter. Criteria: ACMG Guidelines, 2015. Collection method: clinical testing. Allele origin: germline. Observed: 1 variant allele.
Comment: PP3_strong, PM1_supporting